The following is an entry in ClinVar:

ClinVar aggregate classification (germline): Uncertain significance (1 of 4 stars; one submission).

Conditions:
Hereditary cancer-predisposing syndrome. Also called: Neoplastic Syndromes, Hereditary; Tumor predisposition; Hereditary neoplastic syndrome; Hereditary Cancer Syndrome. Identifiers: Orphanet 140162, MedGen C0027672, MeSH D009386, MONDO:0015356.

Submission:

Ambry Genetics
Classification: Uncertain significance for Hereditary cancer-predisposing syndrome. Last evaluated: 2025-04-21. Review status: criteria provided, single submitter. Criteria: Ambry Variant Classification Scheme 2023. Collection method: clinical testing. Allele origin: germline.
Comment: The c.2103-2A>G intronic variant results from an A to G substitution two nucleotides upstream from coding exon 8 in the MET gene. This nucleotide position is highly conserved in available vertebrate species. In silico splice site analysis predicts that this alteration will weaken the native splice acceptor site and will result in the creation or strengthening of a novel splice acceptor site. Alterations that disrupt the canonical splice site are expected to cause aberrant splicing, resulting in an abnormal protein or a transcript that is subject to nonsense-mediated mRNA decay. However, loss of function of MET has not been established as a mechanism of disease. Based on the available evidence, the clinical significance of this alteration remains unclear.

NM_000245.4(MET):c.2103-2A>G

Gene: MET (MET proto-oncogene, receptor tyrosine kinase; plus strand). Cytogenetic location: 7q31.2.
Variant type: single nucleotide variant.
Coding change: c.2103-2A>G on transcript NM_000245.4 (MANE Select); the canonical splice acceptor site of the intron before coding-DNA position 2103, A replaced by G.
Molecular consequence: splice acceptor variant.
Genome position (GRCh38, 1-based): chr7:116,758,457, A>G. VCF-style: chr7-116758457-A-G. GRCh37 (hg19) VCF-style: chr7-116398511-A-G.
Other names: c.2103-2A>G (NM_001127500.3, NM_001324401.3); c.813-2A>G (NM_001324402.2).
Identifiers: ClinVar variation 4053936 (VCV004053936.1).